The following is an entry in ClinVar:

ClinVar aggregate classification (germline): Uncertain significance (1 of 4 stars; one submission).

Conditions:
Hereditary pancreatitis (PCTT). Also called: Hereditary chronic pancreatitis; PRSS1-Related Hereditary Pancreatitis. Identifiers: Orphanet 676, MedGen C0238339, MONDO:0008185, OMIM 167800.

Submission:

Ambry Genetics
Classification: Uncertain significance for Hereditary pancreatitis. Last evaluated: 2025-06-09. Review status: criteria provided, single submitter. Criteria: Ambry Variant Classification Scheme 2023. Collection method: clinical testing. Allele origin: germline.
Comment: The p.I6V variant (also known as c.16A>G), located in coding exon 1 of the PRSS1 gene, results from an A to G substitution at nucleotide position 16. The isoleucine at codon 6 is replaced by valine, an amino acid with highly similar properties. This amino acid position is conserved. In addition, this alteration is predicted to be tolerated by in silico analysis. Since supporting evidence is limited at this time, the clinical significance of this alteration remains unclear.

NM_002769.5(PRSS1):c.16A>G (p.Ile6Val)

Genes: PRSS1 (serine protease 1; plus strand), TRB (T cell receptor beta locus; plus strand). Cytogenetic location: 7q34.
Variant type: single nucleotide variant.
Coding change: c.16A>G on transcript NM_002769.5 (MANE Select); coding-DNA position 16, A replaced by G.
Protein change: p.Ile6Val; replaces isoleucine 6 with valine.
Molecular consequence: missense variant. On other transcripts: non-coding transcript variant (5).
Genome position (GRCh38, 1-based): chr7:142,749,500, A>G. VCF-style: chr7-142749500-A-G. GRCh37 (hg19) VCF-style: chr7-142457351-A-G.
Other names: short protein forms I6V.
Identifiers: ClinVar variation 2497526 (VCV002497526.3), dbSNP rs1585972378, ClinGen allele CA369606963.